The following is an entry in ClinVar:

NM_005359.6(SMAD4):c.1414C>G (p.Pro472Ala)

Gene: SMAD4 (SMAD family member 4; plus strand). Cytogenetic location: 18q21.2.
Variant type: single nucleotide variant.
Coding change: c.1414C>G on transcript NM_005359.6 (MANE Select); coding-DNA position 1414, C replaced by G.
Protein change: p.Pro472Ala; replaces proline 472 with alanine.
Molecular consequence: missense variant.
Genome position (GRCh38, 1-based): chr18:51,076,743, C>G. VCF-style: chr18-51076743-C-G. GRCh37 (hg19) VCF-style: chr18-48603113-C-G.
Other names: short protein forms P472A.
Identifiers: ClinVar variation 1315496 (VCV001315496.5), dbSNP rs1169893474, ClinGen allele CA402465328.

ClinVar aggregate classification (germline): Uncertain significance. Review status: criteria provided, multiple submitters, no conflicts (2 of 4 stars). 2 submissions from 2 submitters: Uncertain significance (2). Last evaluated 2025-10-02.

Conditions:
Juvenile polyposis syndrome (JPS). Identifiers: Orphanet 2929, MedGen C0345893, MONDO:0017380, OMIM 174900.

Allele frequency attached by ClinVar (database versions not stated): gnomAD exomes below 0.00001.

Submissions (2):

Labcorp Genetics (formerly Invitae), Labcorp
Classification: Uncertain significance for Juvenile polyposis syndrome. Last evaluated: 2025-10-02. Review status: criteria provided, single submitter. Criteria: Invitae Variant Classification Sherloc (09022015). Collection method: clinical testing. Allele origin: germline.
Comment: This sequence change replaces proline, which is neutral and non-polar, with alanine, which is neutral and non-polar, at codon 472 of the SMAD4 protein (p.Pro472Ala). This variant is present in population databases (no rsID available, gnomAD 0.003%). This variant has not been reported in the literature in individuals affected with SMAD4-related conditions. ClinVar contains an entry for this variant (Variation ID: 1315496). Invitae Evidence Modeling of protein sequence and biophysical properties (such as structural, functional, and spatial information, amino acid conservation, physicochemical variation, residue mobility, and thermodynamic stability) has been performed for this missense variant. However, the output from this modeling did not meet the statistical confidence thresholds required to predict the impact of this variant on SMAD4 protein function. In summary, the available evidence is currently insufficient to determine the role of this variant in disease. Therefore, it has been classified as a Variant of Uncertain Significance.

GeneDx
Classification: Uncertain significance. Last evaluated: 2020-02-12. Review status: criteria provided, single submitter. Criteria: GeneDx Variant Classification Process June 2021. Collection method: clinical testing. Allele origin: germline. Affected: yes.
Comment: Not observed at a significant frequency in large population cohorts (Lek 2016); In silico analysis supports that this missense variant has a deleterious effect on protein structure/function; Has not been previously published as pathogenic or benign to our knowledge